The following is an entry in ClinVar:

NM_173728.4(ARHGEF15):c.596C>T (p.Ala199Val)

Gene: ARHGEF15 (Rho guanine nucleotide exchange factor 15; plus strand). Cytogenetic location: 17p13.1.
Variant type: single nucleotide variant.
Coding change: c.596C>T on transcript NM_173728.4 (MANE Select); coding-DNA position 596, C replaced by T.
Protein change: p.Ala199Val; replaces alanine 199 with valine.
Molecular consequence: missense variant.
Genome position (GRCh38, 1-based): chr17:8,312,635, C>T. VCF-style: chr17-8312635-C-T. GRCh37 (hg19) VCF-style: chr17-8215953-C-T.
Other names: c.596C>T, p.Ala199Val (NM_025014.2); short protein forms A199V.
Identifiers: ClinVar variation 1004287 (VCV001004287.10), dbSNP rs757692544, ClinGen allele CA8374892.

ClinVar aggregate classification (germline): Uncertain significance (1 of 4 stars; one submission).

Conditions:
Early-infantile DEE. Also called: Early infantile epileptic encephalopathy with suppression bursts; Ohtahara syndrome; Early infantile epileptic encephalopathy. Identifiers: Orphanet 1934, MedGen C0393706, MONDO:0800491.

Allele frequency attached by ClinVar (database versions not stated): gnomAD exomes below 0.00001; ExAC 0.00001; TOPMed 0.00002; gnomAD 0.00003 and 0.00004.

Submission:

Labcorp Genetics (formerly Invitae), Labcorp
Classification: Uncertain significance for Early-infantile DEE. Last evaluated: 2025-10-27. Review status: criteria provided, single submitter. Criteria: Invitae Variant Classification Sherloc (09022015). Collection method: clinical testing. Allele origin: germline.
Comment: This sequence change replaces alanine, which is neutral and non-polar, with valine, which is neutral and non-polar, at codon 199 of the ARHGEF15 protein (p.Ala199Val). This variant is present in population databases (rs757692544, gnomAD 0.007%). This variant has not been reported in the literature in individuals affected with ARHGEF15-related conditions. ClinVar contains an entry for this variant (Variation ID: 1004287). An algorithm developed to predict the effect of missense changes on protein structure and function (PolyPhen-2) suggests that this variant is likely to be tolerated. In summary, the available evidence is currently insufficient to determine the role of this variant in disease. Therefore, it has been classified as a Variant of Uncertain Significance.